The following is an entry in ClinVar:

ClinVar aggregate classification (germline): Uncertain significance (1 of 4 stars; one submission).

Conditions:
Inborn genetic diseases. Identifiers: MedGen C0950123, MeSH D030342.

Submission:

Ambry Genetics
Classification: Uncertain significance for Inborn genetic diseases. Last evaluated: 2024-07-26. Review status: criteria provided, single submitter. Criteria: Ambry Variant Classification Scheme 2023. Collection method: clinical testing. Allele origin: germline.
Comment: The p.T475S variant (also known as c.1424C>G), located in coding exon 13 of the LRRK2 gene, results from a C to G substitution at nucleotide position 1424. The threonine at codon 475 is replaced by serine, an amino acid with similar properties. This amino acid position is conserved. In addition, this alteration is predicted to be tolerated by in silico analysis. Since supporting evidence is limited at this time, the clinical significance of this alteration remains unclear.

NM_198578.4(LRRK2):c.1424C>G (p.Thr475Ser)

Gene: LRRK2 (leucine rich repeat kinase 2; plus strand). Cytogenetic location: 12q12.
Variant type: single nucleotide variant.
Coding change: c.1424C>G on transcript NM_198578.4 (MANE Select); coding-DNA position 1424, C replaced by G.
Protein change: p.Thr475Ser; replaces threonine 475 with serine.
Molecular consequence: missense variant.
Genome position (GRCh38, 1-based): chr12:40,259,485, C>G. VCF-style: chr12-40259485-C-G. GRCh37 (hg19) VCF-style: chr12-40653287-C-G.
Other names: short protein forms T475S.
Identifiers: ClinVar variation 1772330 (VCV001772330.3), dbSNP rs2499549897, ClinGen allele CA384411176.
Genomic context (GRCh38, chr12:40,259,485, plus strand): 5'-TATACCATTGAATCAGATCAGTCTTTCAATAAGCATGCCAATTTTATATCCCCAGCAACA[C>G]TTCCCTGGATATAATGGCAGCAGTGGTCCCCAAAATACTAACAGTTATGAAACGTCATGA-3'
Protein context (NP_940980.4, residues 465-485): MLNHLFEGSN[Thr475Ser]SLDIMAAVVP